The following is an entry in ClinVar:

ClinVar aggregate classification (germline): Uncertain significance (1 of 4 stars; one submission).

Conditions:
Kabuki syndrome 2 (KABUK2). Also called: KDM6A-Related Kabuki Syndrome. Identifiers: Orphanet 2322, MedGen C3275495, MONDO:0010465, OMIM 300867.

Allele frequency attached by ClinVar (database versions not stated): TOPMed 0.00001.

Submission:

Labcorp Genetics (formerly Invitae), Labcorp
Classification: Uncertain significance for Kabuki syndrome 2. Last evaluated: 2023-10-27. Review status: criteria provided, single submitter. Criteria: Invitae Variant Classification Sherloc (09022015). Collection method: clinical testing. Allele origin: germline.
Comment: This sequence change replaces lysine, which is basic and polar, with asparagine, which is neutral and polar, at codon 23 of the KDM6A protein (p.Lys23Asn). This variant is not present in population databases (gnomAD no frequency). This variant has not been reported in the literature in individuals affected with KDM6A-related conditions. ClinVar contains an entry for this variant (Variation ID: 2151832). Advanced modeling of protein sequence and biophysical properties (such as structural, functional, and spatial information, amino acid conservation, physicochemical variation, residue mobility, and thermodynamic stability) performed at Invitae indicates that this missense variant is not expected to disrupt KDM6A protein function with a negative predictive value of 80%. In summary, the available evidence is currently insufficient to determine the role of this variant in disease. Therefore, it has been classified as a Variant of Uncertain Significance.

NM_001291415.2(KDM6A):c.69G>T (p.Lys23Asn)

Gene: KDM6A (lysine demethylase 6A; plus strand). Cytogenetic location: Xp11.3.
Variant type: single nucleotide variant.
Coding change: c.69G>T on transcript NM_001291415.2 (MANE Select); coding-DNA position 69, G replaced by T.
Protein change: p.Lys23Asn; replaces lysine 23 with asparagine.
Molecular consequence: missense variant. On other transcripts: 5 prime UTR variant (1), non-coding transcript variant (1).
Genome position (GRCh38, 1-based): chrX:44,873,620, G>T. VCF-style: chrX-44873620-G-T. GRCh37 (hg19) VCF-style: chrX-44732866-G-T.
Other names: c.69G>T, p.Lys23Asn (NM_001291416.2, NM_001291417.2, NM_001291418.2 and 2 more transcripts); c.-564G>T (NM_001291421.2); short protein forms K23N.
Identifiers: ClinVar variation 2151832 (VCV002151832.4), dbSNP rs2031074739, ClinGen allele CA413020210.
Genomic context (GRCh38, chrX:44,873,620, plus strand): 5'-CTGCGGAGTGTCGCTCGCTACCGCCGCCGCTGCCGCCGCCGCTTTCGGTGATGAGGAAAA[G>T]AAAATGGCGGCGGGAAAAGCGAGCGGCGAGAGCGAGGAGGCGTCCCCCAGCCTGACAGCC-3'
Protein context (NP_001278344.1, residues 13-33): AAAAAFGDEE[Lys23Asn]KMAAGKASGE